The following is an entry in ClinVar:

NM_006929.5(SKIC2):c.2858+1_2858+2insCA

Gene: SKIC2 (SKI2 subunit of superkiller complex; plus strand). Cytogenetic location: 6p21.33.
Variant type: Insertion.
Coding change: c.2858+1_2858+2insCA on transcript NM_006929.5 (MANE Select); the canonical splice donor site of the intron after coding-DNA position 2858, CA inserted.
Molecular consequence: splice donor variant.
Genome position: GRCh38 VCF-style: chr6-31968083-G-GCA. GRCh37 (hg19) VCF-style: chr6-31935860-G-GCA.
Identifiers: ClinVar variation 2752382 (VCV002752382.3), dbSNP rs2482992258, ClinGen allele CA2697546673.

ClinVar aggregate classification (germline): Likely pathogenic (1 of 4 stars; one submission).

Submission:

Labcorp Genetics (formerly Invitae), Labcorp
Classification: Likely pathogenic. Last evaluated: 2023-08-14. Review status: criteria provided, single submitter. Criteria: Invitae Variant Classification Sherloc (09022015). Collection method: clinical testing. Allele origin: germline.
Comment: This sequence change affects a splice site in intron 23 of the SKIV2L gene. It is expected to disrupt RNA splicing. Variants that disrupt the donor or acceptor splice site typically lead to a loss of protein function (PMID: 16199547), and loss-of-function variants in SKIV2L are known to be pathogenic (PMID: 22444670). This variant is not present in population databases (gnomAD no frequency). This variant has not been reported in the literature in individuals affected with SKIV2L-related conditions. Algorithms developed to predict the effect of sequence changes on RNA splicing suggest that this variant may disrupt the consensus splice site. In summary, the currently available evidence indicates that the variant is pathogenic, but additional data are needed to prove that conclusively. Therefore, this variant has been classified as Likely Pathogenic.

Literature cited by the submitters: PubMed 16199547; PubMed 22444670.